The following is an entry in ClinVar:

NM_018714.3(COG1):c.1590T>G (p.Asp530Glu)

Gene: COG1 (component of oligomeric golgi complex 1; plus strand). Cytogenetic location: 17q25.1.
Variant type: single nucleotide variant.
Coding change: c.1590T>G on transcript NM_018714.3 (MANE Select); coding-DNA position 1590, T replaced by G.
Protein change: p.Asp530Glu; replaces aspartic acid 530 with glutamic acid.
Molecular consequence: missense variant.
Genome position (GRCh38, 1-based): chr17:73,201,417, T>G. VCF-style: chr17-73201417-T-G. GRCh37 (hg19) VCF-style: chr17-71197556-T-G.
Other names: short protein forms D530E.
Identifiers: ClinVar variation 2154011 (VCV002154011.4), dbSNP rs2511082448, ClinGen allele CA400892133.
Genomic context (GRCh38, chr17:73,201,417, plus strand): 5'-CAGCCCTTGTGTACAGAACTTCTGTTCTGCCCTGGATTCTAAGCTGAAGGTTAAACTAGA[T>G]GACCTCCTGGCTTACCTCCCCTCTGATGACTCATCACTGCCCAAGGACGTTTCTCCCACA-3'
Protein context (NP_061184.1, residues 520-540): ALDSKLKVKL[Asp530Glu]DLLAYLPSDD

ClinVar aggregate classification (germline): Uncertain significance (1 of 4 stars; one submission).

Conditions:
COG1 congenital disorder of glycosylation (CDG2G). Also called: CONGENITAL DISORDER OF GLYCOSYLATION, TYPE IIg; CDG IIg; CDGII/COG1 CEREBROCOSTOMANDIBULAR-LIKE SYNDROME. Identifiers: Orphanet 263508, MedGen C2931011, MONDO:0012637, OMIM 611209.

Allele frequency attached by ClinVar (database versions not stated): gnomAD exomes 0.00001.
gnomAD v4.1: 17 of 1,614,216 alleles (0.0011%); highest among the groups gnomAD compares: Non-Finnish European, 0.0014%; no homozygotes.

Submission:

Labcorp Genetics (formerly Invitae), Labcorp
Classification: Uncertain significance for COG1 congenital disorder of glycosylation. Last evaluated: 2022-05-06. Review status: criteria provided, single submitter. Criteria: Invitae Variant Classification Sherloc (09022015). Collection method: clinical testing. Allele origin: germline.
Comment: In summary, the available evidence is currently insufficient to determine the role of this variant in disease. Therefore, it has been classified as a Variant of Uncertain Significance. This sequence change replaces aspartic acid, which is acidic and polar, with glutamic acid, which is acidic and polar, at codon 530 of the COG1 protein (p.Asp530Glu). This variant is not present in population databases (gnomAD no frequency). This variant has not been reported in the literature in individuals affected with COG1-related conditions. Algorithms developed to predict the effect of missense changes on protein structure and function output the following: SIFT: "Tolerated"; PolyPhen-2: "Benign"; Align-GVGD: "Class C0". The glutamic acid amino acid residue is found in multiple mammalian species, which suggests that this missense change does not adversely affect protein function.